The following is an entry in ClinVar:

ClinVar aggregate classification (germline): Uncertain significance (1 of 4 stars; one submission).

Conditions:
Congenital myasthenic syndrome 14. Also called: Myasthenic syndrome, congenital, 14, with tubular aggregates. Identifiers: Orphanet 353327, Orphanet 590, MedGen C4015597, MONDO:0014543, OMIM 616228.
Congenital disorder of glycosylation, type Ii. Also called: CDG Ii; ALG2-congenital disorder of glycosylation; ALG2-CDG. Identifiers: Orphanet 79326, MedGen C1842836, MONDO:0011933, OMIM 607906.

Allele frequency attached by ClinVar (database versions not stated): gnomAD exomes 0.00004 and 0.00001; TOPMed 0.00001.

Submission:

Labcorp Genetics (formerly Invitae), Labcorp
Classification: Uncertain significance for Congenital disorder of glycosylation, type Ii; Congenital myasthenic syndrome 14. Last evaluated: 2022-02-05. Review status: criteria provided, single submitter. Criteria: Invitae Variant Classification Sherloc (09022015). Collection method: clinical testing. Allele origin: germline.
Comment: This sequence change replaces tyrosine, which is neutral and polar, with cysteine, which is neutral and slightly polar, at codon 100 of the ALG2 protein (p.Tyr100Cys). This variant is present in population databases (no rsID available, gnomAD 0.03%). This variant has not been reported in the literature in individuals affected with ALG2-related conditions. ClinVar contains an entry for this variant (Variation ID: 946667). Algorithms developed to predict the effect of missense changes on protein structure and function are either unavailable or do not agree on the potential impact of this missense change (SIFT: "Deleterious"; PolyPhen-2: "Possibly Damaging"; Align-GVGD: "Class C15"). In summary, the available evidence is currently insufficient to determine the role of this variant in disease. Therefore, it has been classified as a Variant of Uncertain Significance.

NM_033087.4(ALG2):c.299A>G (p.Tyr100Cys)

Gene: ALG2 (ALG2 alpha-1,3/1,6-mannosyltransferase; minus strand). Cytogenetic location: 9q22.33.
Variant type: single nucleotide variant.
Coding change: c.299A>G on transcript NM_033087.4 (MANE Select); coding-DNA position 299, A replaced by G.
Protein change: p.Tyr100Cys; replaces tyrosine 100 with cysteine.
Molecular consequence: missense variant. On other transcripts: non-coding transcript variant (1).
Genome position (GRCh38, 1-based): chr9:99,221,596, T>C on the plus strand (A>G on the coding strand, the complement: ALG2 is on the minus strand). VCF-style: chr9-99221596-T-C. GRCh37 (hg19) VCF-style: chr9-101983878-T-C.
Other names: short protein forms Y100C.
Identifiers: ClinVar variation 946667 (VCV000946667.7), dbSNP rs1372670324, ClinGen allele CA374231356.
Genomic context (GRCh38, chr9:99,221,596, plus strand): 5'-GGCCGCCTCACCTGGTCGCACACTACCACGTCGAACTCCTCGTCGGCGAGGAACAGCACG[T>C]AGAGCGCCAGGAAAACCATGCGCACGTAGGCGCAGACGGCGGCGCCGCGGCCGCCCCAGC-3'
Protein context (NP_149078.1, residues 90-110): AYVRMVFLAL[Tyr100Cys]VLFLADEEFD